The following is an entry in ClinVar:

ClinVar aggregate classification (germline): Uncertain significance. Review status: criteria provided, multiple submitters, no conflicts (2 of 4 stars). 2 submissions from 2 submitters: Uncertain significance (2). Last evaluated 2025-10-09.

Conditions:
Fanconi anemia (FA). Also called: Fanconi's anemia. Identifiers: Orphanet 84, MedGen C0015625, MeSH D005199, MONDO:0019391.
Inborn genetic diseases. Identifiers: MedGen C0950123, MeSH D030342.

gnomAD v4.1: 1 of 1,613,814 alleles (0.000062%); highest among the groups gnomAD compares: Non-Finnish European, 0.000085%; no homozygotes.

Submissions (2):

Ambry Genetics
Classification: Uncertain significance for Inborn genetic diseases. Last evaluated: 2025-10-09. Review status: criteria provided, single submitter. Criteria: Ambry Variant Classification Scheme 2023. Collection method: clinical testing. Allele origin: germline.
Comment: The p.T329I variant (also known as c.986C>T), located in coding exon 11 of the FANCA gene, results from a C to T substitution at nucleotide position 986. The threonine at codon 329 is replaced by isoleucine, an amino acid with similar properties. This amino acid position is conserved. In addition, this alteration is predicted to be tolerated by in silico analysis. Based on the available evidence, the clinical significance of this variant remains unclear.

Labcorp Genetics (formerly Invitae), Labcorp
Classification: Uncertain significance for Fanconi anemia. Last evaluated: 2021-09-01. Review status: criteria provided, single submitter. Criteria: Invitae Variant Classification Sherloc (09022015). Collection method: clinical testing. Allele origin: germline.
Comment: This sequence change replaces threonine with isoleucine at codon 329 of the FANCA protein (p.Thr329Ile). The threonine residue is highly conserved and there is a moderate physicochemical difference between threonine and isoleucine. This variant is not present in population databases (ExAC no frequency). This variant has not been reported in the literature in individuals affected with FANCA-related conditions. Algorithms developed to predict the effect of missense changes on protein structure and function output the following: SIFT: "Tolerated"; PolyPhen-2: "Possibly Damaging"; Align-GVGD: "Class C0". The isoleucine amino acid residue is found in multiple mammalian species, which suggests that this missense change does not adversely affect protein function. In summary, the available evidence is currently insufficient to determine the role of this variant in disease. Therefore, it has been classified as a Variant of Uncertain Significance.

NM_000135.4(FANCA):c.986C>T (p.Thr329Ile)

Gene: FANCA (FA complementation group A; minus strand). Cytogenetic location: 16q24.3.
Variant type: single nucleotide variant.
Coding change: c.986C>T on transcript NM_000135.4 (MANE Select); coding-DNA position 986, C replaced by T.
Protein change: p.Thr329Ile; replaces threonine 329 with isoleucine.
Molecular consequence: missense variant.
Genome position (GRCh38, 1-based): chr16:89,795,926, G>A on the plus strand (C>T on the coding strand, the complement: FANCA is on the minus strand). VCF-style: chr16-89795926-G-A. GRCh37 (hg19) VCF-style: chr16-89862334-G-A.
Other names: c.986C>T, p.Thr329Ile (NM_001286167.3); c.986C>T (NM_000135.2); short protein forms T329I.
Identifiers: ClinVar variation 1463213 (VCV001463213.6), dbSNP rs757617469, ClinGen allele CA397469862.